The following is an entry in ClinVar:

ClinVar aggregate classification (germline): Uncertain significance (1 of 4 stars; one submission).

gnomAD v4.1: 1 of 1,614,226 alleles (0.000062%); highest among the groups gnomAD compares: Admixed American, 0.0017%; no homozygotes.

Submission:

Labcorp Genetics (formerly Invitae), Labcorp
Classification: Uncertain significance. Last evaluated: 2024-12-13. Review status: criteria provided, single submitter. Criteria: Invitae Variant Classification Sherloc (09022015). Collection method: clinical testing. Allele origin: germline.
Comment: This sequence change replaces threonine, which is neutral and polar, with alanine, which is neutral and non-polar, at codon 130 of the TRIP12 protein (p.Thr130Ala). This variant is present in population databases (no rsID available, gnomAD 0.003%). This variant has not been reported in the literature in individuals affected with TRIP12-related conditions. An algorithm developed to predict the effect of missense changes on protein structure and function (PolyPhen-2) suggests that this variant is likely to be tolerated. In summary, the available evidence is currently insufficient to determine the role of this variant in disease. Therefore, it has been classified as a Variant of Uncertain Significance.

NM_001348323.3(TRIP12):c.514A>G (p.Thr172Ala)

Gene: TRIP12 (thyroid hormone receptor interactor 12; minus strand). Cytogenetic location: 2q36.3.
Variant type: single nucleotide variant.
Coding change: c.514A>G on transcript NM_001348323.3 (MANE Select); coding-DNA position 514, A replaced by G.
Protein change: p.Thr172Ala; replaces threonine 172 with alanine.
Molecular consequence: missense variant. On other transcripts: intron variant (1).
Genome position (GRCh38, 1-based): chr2:229,859,285, T>C on the plus strand (A>G on the coding strand, the complement: TRIP12 is on the minus strand). VCF-style: chr2-229859285-T-C. GRCh37 (hg19) VCF-style: chr2-230724001-T-C.
Other names: c.514A>G, p.Thr172Ala (NM_001284214.2, NM_001348315.2, NM_001348319.1 and 15 more transcripts); c.388A>G, p.Thr130Ala (NM_001284215.2, NM_001348316.2, NM_001348317.1 and 3 more transcripts); c.98+20697A>G (NM_001284216.2); short protein forms T130A, T172A.
Identifiers: ClinVar variation 3717294 (VCV003717294.2).